The following is an entry in ClinVar:

ClinVar aggregate classification (germline): Uncertain significance (1 of 4 stars; one submission).

Submission:

GeneDx
Classification: Uncertain significance. Last evaluated: 2025-01-10. Review status: criteria provided, single submitter. Criteria: GeneDx Variant Classification Process June 2021. Collection method: clinical testing. Allele origin: germline. Affected: yes.
Comment: Not observed at significant frequency in large population cohorts (gnomAD); In silico analysis supports that this missense variant has a deleterious effect on protein structure/function; Has not been previously published as pathogenic or benign to our knowledge

NM_000540.3(RYR1):c.2069G>T (p.Gly690Val)

Gene: RYR1 (ryanodine receptor 1; plus strand). Cytogenetic location: 19q13.2.
Variant type: single nucleotide variant.
Coding change: c.2069G>T on transcript NM_000540.3 (MANE Select); coding-DNA position 2069, G replaced by T.
Protein change: p.Gly690Val; replaces glycine 690 with valine.
Molecular consequence: missense variant.
Genome position (GRCh38, 1-based): chr19:38,458,194, G>T. VCF-style: chr19-38458194-G-T. GRCh37 (hg19) VCF-style: chr19-38948834-G-T.
Other names: c.2069G>T, p.Gly690Val (NM_001042723.2); short protein forms G690V.
Identifiers: ClinVar variation 4070693 (VCV004070693.1).